The following is an entry in ClinVar:

ClinVar aggregate classification (germline): Uncertain significance (1 of 4 stars; one submission).

gnomAD v4.1: 6 of 1,613,320 alleles (0.00037%); highest among the groups gnomAD compares: African/African-American, 0.0027%; no homozygotes.

Submission:

Labcorp Genetics (formerly Invitae), Labcorp
Classification: Uncertain significance. Last evaluated: 2025-12-06. Review status: criteria provided, single submitter. Criteria: Invitae Variant Classification Sherloc (09022015). Collection method: clinical testing. Allele origin: germline.
Comment: This sequence change falls in intron 27 of the MYO1E gene. It does not directly change the encoded amino acid sequence of the MYO1E protein. This variant is present in population databases (no rsID available, gnomAD 0.006%). This variant has not been reported in the literature in individuals affected with MYO1E-related conditions. Algorithms developed to predict the effect of sequence changes on RNA splicing suggest that this variant may disrupt the consensus splice site. In summary, the available evidence is currently insufficient to determine the role of this variant in disease. Therefore, it has been classified as a Variant of Uncertain Significance.

NM_004998.4(MYO1E):c.3251-11T>C

Gene: MYO1E (myosin IE; minus strand). Cytogenetic location: 15q22.2.
Variant type: single nucleotide variant.
Coding change: c.3251-11T>C on transcript NM_004998.4 (MANE Select); 11 bases into the intron before coding-DNA position 3251, T replaced by C.
Molecular consequence: intron variant.
Genome position (GRCh38, 1-based): chr15:59,137,467, A>G on the plus strand (T>C on the coding strand, the complement: MYO1E is on the minus strand). VCF-style: chr15-59137467-A-G. GRCh37 (hg19) VCF-style: chr15-59429666-A-G.
Identifiers: ClinVar variation 4695842 (VCV004695842.1).